The following is an entry in ClinVar:

ClinVar aggregate classification (germline): Conflicting classifications of pathogenicity. Review status: criteria provided, conflicting classifications (1 of 4 stars). 5 submissions from 5 submitters: Uncertain significance (4); Likely benign (1). Last evaluated 2024-10-03.

Conditions:
Hereditary breast ovarian cancer syndrome. Also called: Hereditary breast and ovarian cancer; Hereditary breast and ovarian cancer syndrome (HBOC); Breast and ovarian cancer; Hereditary breast and ovarian cancer syndrome; BRCA1- and BRCA2-Associated Hereditary Breast and Ovarian Cancer; Hereditary breast and/or ovarian cancer syndrome. Identifiers: Orphanet 145, MedGen C0677776, MeSH D061325, MONDO:0003582. Disease mechanism: loss of function.
Hereditary cancer-predisposing syndrome. Also called: Tumor predisposition; Neoplastic Syndromes, Hereditary; Hereditary neoplastic syndrome; Hereditary Cancer Syndrome. Identifiers: Orphanet 140162, MedGen C0027672, MeSH D009386, MONDO:0015356.

Allele frequency attached by ClinVar (database versions not stated): gnomAD exomes below 0.00001; TOPMed below 0.00001; gnomAD 0.00001.
gnomAD v4.1: 2 of 1,614,002 alleles (0.00012%); highest among the groups gnomAD compares: African/African-American, 0.0027%; no homozygotes.

Submissions (5):

Labcorp Genetics (formerly Invitae), Labcorp
Classification: Uncertain significance for Hereditary breast ovarian cancer syndrome. Last evaluated: 2024-10-03. Review status: criteria provided, single submitter. Criteria: Invitae Variant Classification Sherloc (09022015). Collection method: clinical testing. Allele origin: germline.
Comment: This sequence change replaces lysine, which is basic and polar, with glutamine, which is neutral and polar, at codon 385 of the BRCA2 protein (p.Lys385Gln). This variant is not present in population databases (gnomAD no frequency). This variant has not been reported in the literature in individuals affected with BRCA2-related conditions. ClinVar contains an entry for this variant (Variation ID: 633126). Invitae Evidence Modeling of protein sequence and biophysical properties (such as structural, functional, and spatial information, amino acid conservation, physicochemical variation, residue mobility, and thermodynamic stability) indicates that this missense variant is not expected to disrupt BRCA2 protein function with a negative predictive value of 95%. In summary, the available evidence is currently insufficient to determine the role of this variant in disease. Therefore, it has been classified as a Variant of Uncertain Significance.

Ambry Genetics
Classification: Uncertain significance for Hereditary cancer-predisposing syndrome. Last evaluated: 2023-10-17. Review status: criteria provided, single submitter. Criteria: Ambry Variant Classification Scheme 2023. Collection method: clinical testing. Allele origin: germline.
Comment: The p.K385Q variant (also known as c.1153A>C), located in coding exon 9 of the BRCA2 gene, results from an A to C substitution at nucleotide position 1153. The lysine at codon 385 is replaced by glutamine, an amino acid with similar properties. This amino acid position is not well conserved in available vertebrate species. In addition, this alteration is predicted to be tolerated by in silico analysis. Since supporting evidence is limited at this time, the clinical significance of this alteration remains unclear.

University of Washington Department of Laboratory Medicine, University of Washington
Classification: Likely benign for Hereditary cancer-predisposing syndrome. Last evaluated: 2023-03-23. Review status: criteria provided, single submitter. Criteria: Dines et al. (Genet Med. 2020). Collection method: curation. Allele origin: germline.
Comment: Missense variant in a coldspot region where missense variants are very unlikely to be pathogenic (PMID:31911673).

BRCA2 exon 10 coldspot. Reclassification based on statistical prior probability.

Quest Diagnostics Nichols Institute San Juan Capistrano
Classification: Uncertain significance. Last evaluated: 2021-02-11. Review status: criteria provided, single submitter. Criteria: Quest Diagnostics criteria. Collection method: clinical testing. Allele origin: unknown.

Women's Health and Genetics/Laboratory Corporation of America, LabCorp
Classification: Uncertain significance. Last evaluated: 2018-08-03. Review status: criteria provided, single submitter. Criteria: LabCorp Variant Classification Summary - May 2015. Collection method: clinical testing. Allele origin: germline.
Comment: Variant summary: BRCA2 c.1153A>C (p.Lys385Gln) results in a conservative amino acid change in the encoded protein sequence. Four of five in-silico tools predict a benign effect of the variant on protein function. The variant was absent in 277064 control chromosomes (gnomAD). The available data on variant occurrences in the general population are insufficient to allow any conclusion about variant significance. To our knowledge, no occurrence of c.1153A>C in individuals affected with Hereditary Breast and Ovarian Cancer and no experimental evidence demonstrating its impact on protein function have been reported. No clinical diagnostic laboratories have submitted clinical-significance assessments for this variant to ClinVar after 2014. Based on the evidence outlined above, the variant was classified as uncertain significance.

NM_000059.4(BRCA2):c.1153A>C (p.Lys385Gln)

Gene: BRCA2 (BRCA2 DNA repair associated; plus strand). Cytogenetic location: 13q13.1.
Variant type: single nucleotide variant.
Coding change: c.1153A>C on transcript NM_000059.4 (MANE Select); coding-DNA position 1153, A replaced by C.
Protein change: p.Lys385Gln; replaces lysine 385 with glutamine.
Molecular consequence: missense variant.
Genome position (GRCh38, 1-based): chr13:32,332,631, A>C. VCF-style: chr13-32332631-A-C. GRCh37 (hg19) VCF-style: chr13-32906768-A-C.
Other names: short protein forms K385Q.
Identifiers: ClinVar variation 633126 (VCV000633126.9), dbSNP rs80358411, ClinGen allele CA387761883.